The following is an entry in ClinVar:

NM_000059.4(BRCA2):c.1383G>A (p.Glu461=)

Gene: BRCA2 (BRCA2 DNA repair associated; plus strand). Cytogenetic location: 13q13.1.
Variant type: single nucleotide variant.
Coding change: c.1383G>A on transcript NM_000059.4 (MANE Select); coding-DNA position 1383, G replaced by A.
Protein change: p.Glu461=; no amino-acid change (glutamic acid 461 retained).
Molecular consequence: synonymous variant.
Genome position (GRCh38, 1-based): chr13:32,332,861, G>A. VCF-style: chr13-32332861-G-A. GRCh37 (hg19) VCF-style: chr13-32906998-G-A.
Identifiers: ClinVar variation 219664 (VCV000219664.22), dbSNP rs864622199, ClinGen allele CA350517.

ClinVar aggregate classification (germline): Likely benign. Review status: reviewed by expert panel (3 of 4 stars). 6 submissions from 6 submitters: Likely benign (1). 5 of the submissions do not count toward it. Last evaluated 2017-06-29.

Conditions:
Hereditary cancer-predisposing syndrome. Also called: Tumor predisposition; Hereditary neoplastic syndrome; Neoplastic Syndromes, Hereditary; Hereditary Cancer Syndrome. Identifiers: Orphanet 140162, MedGen C0027672, MeSH D009386, MONDO:0015356.
Hereditary breast ovarian cancer syndrome. Also called: Hereditary breast and ovarian cancer; BRCA1- and BRCA2-Associated Hereditary Breast and Ovarian Cancer; Hereditary breast and/or ovarian cancer syndrome; Hereditary breast and ovarian cancer syndrome; Hereditary breast and ovarian cancer syndrome (HBOC); Breast and ovarian cancer. Identifiers: Orphanet 145, MedGen C0677776, MeSH D061325, MONDO:0003582. Disease mechanism: loss of function.
Breast-ovarian cancer, familial, susceptibility to, 2 (BROVCA2). Also called: BRCA2 Hereditary Breast and Ovarian Cancer. Identifiers: Orphanet 145, MedGen C2675520, MONDO:0012933, OMIM 612555. Disease mechanism: loss of function.

Allele frequency attached by ClinVar (database versions not stated): gnomAD exomes below 0.00001; TOPMed below 0.00001; gnomAD 0.00001.
gnomAD v4.1: 4 of 1,611,764 alleles (0.00025%); highest among the groups gnomAD compares: African/African-American, 0.0013%; no homozygotes.

Submissions (6):

Evidence-based Network for the Interpretation of Germline Mutant Alleles (ENIGMA)
Classification: Likely benign for Breast-ovarian cancer, familial, susceptibility to, 2. Last evaluated: 2017-06-29. Review status: reviewed by expert panel. Criteria: ENIGMA BRCA1/2 Classification Criteria (2017-06-29). Collection method: curation. Allele origin: germline.
Comment: Synonymous substitution variant, with low bioinformatic likelihood to result in a splicing aberration (Splicing prior probability 0.02).

Labcorp Genetics (formerly Invitae), Labcorp
Classification: Likely benign for Hereditary breast ovarian cancer syndrome. Last evaluated: 2024-08-31. Review status: criteria provided, single submitter. Criteria: Invitae Variant Classification Sherloc (09022015). Collection method: clinical testing. Allele origin: germline. Not counted in ClinVar's aggregate classification.

All of Us Research Program, National Institutes of Health
Classification: Likely benign for Breast-ovarian cancer, familial, susceptibility to, 2. Last evaluated: 2023-07-22. Review status: criteria provided, single submitter. Criteria: ACMG Guidelines, 2015. Collection method: clinical testing. Allele origin: germline. Inheritance: Autosomal dominant inheritance. Observed: 4 variant alleles, 4 heterozygotes. Not counted in ClinVar's aggregate classification.
Comment: This study involves interpretation of variants in research participants for the purpose of population health screening. Participant phenotype was not available at the time of variant classification. Additional details can be found in publication PMID: 35346344, PMCID: PMC8962531

Ambry Genetics
Classification: Likely benign for Hereditary cancer-predisposing syndrome. Last evaluated: 2016-12-12. Review status: criteria provided, single submitter. Criteria: Ambry Variant Classification Scheme 2023. Collection method: clinical testing. Allele origin: germline. Not counted in ClinVar's aggregate classification.

Quest Diagnostics Nichols Institute San Juan Capistrano
Classification: Likely benign. Last evaluated: 2016-10-20. Review status: criteria provided, single submitter. Criteria: Quest Diagnostics criteria. Collection method: clinical testing. Allele origin: germline. Not counted in ClinVar's aggregate classification.

Color Diagnostics, LLC DBA Color Health
Classification: Likely benign for Hereditary cancer-predisposing syndrome. Last evaluated: 2016-06-23. Review status: criteria provided, single submitter. Criteria: ACMG Guidelines, 2015. Collection method: clinical testing. Allele origin: germline. Not counted in ClinVar's aggregate classification.